The following is an entry in ClinVar:

NM_145290.4(ADGRA3):c.2719C>T (p.Pro907Ser)

Gene: ADGRA3 (adhesion G protein-coupled receptor A3; minus strand). Cytogenetic location: 4p15.2.
Variant type: single nucleotide variant.
Coding change: c.2719C>T on transcript NM_145290.4 (MANE Select); coding-DNA position 2719, C replaced by T.
Protein change: p.Pro907Ser; replaces proline 907 with serine.
Molecular consequence: missense variant.
Genome position (GRCh38, 1-based): chr4:22,389,092, G>A on the plus strand (C>T on the coding strand, the complement: ADGRA3 is on the minus strand). VCF-style: chr4-22389092-G-A. GRCh37 (hg19) VCF-style: chr4-22390715-G-A.
Other names: short protein forms P907S.
Identifiers: ClinVar variation 1354368 (VCV001354368.8), dbSNP rs190503014, ClinGen allele CA2873543.

ClinVar aggregate classification (germline): Uncertain significance (1 of 4 stars; one submission).

Allele frequency attached by ClinVar (database versions not stated): TOPMed below 0.00001; ExAC 0.00001; gnomAD 0.00001; gnomAD exomes 0.00002; 1000 Genomes Project 0.00020; 1000 Genomes Project 30x 0.00031.

Submission:

Labcorp Genetics (formerly Invitae), Labcorp
Classification: Uncertain significance. Last evaluated: 2025-11-11. Review status: criteria provided, single submitter. Criteria: Invitae Variant Classification Sherloc (09022015). Collection method: clinical testing. Allele origin: germline.
Comment: This sequence change replaces proline, which is neutral and non-polar, with serine, which is neutral and polar, at codon 907 of the ADGRA3 protein (p.Pro907Ser). This variant is present in population databases (rs190503014, gnomAD 0.01%). This variant has not been reported in the literature in individuals affected with ADGRA3-related conditions. ClinVar contains an entry for this variant (Variation ID: 1354368). An algorithm developed to predict the effect of missense changes on protein structure and function (PolyPhen-2) suggests that this variant is likely to be disruptive. In summary, the available evidence is currently insufficient to determine the role of this variant in disease. Therefore, it has been classified as a Variant of Uncertain Significance.